The following is an entry in ClinVar:

NM_145178.4(ATOH7):c.455C>T (p.Thr152Ile)

Gene: ATOH7 (atonal bHLH transcription factor 7; minus strand). Cytogenetic location: 10q21.3.
Variant type: single nucleotide variant.
Coding change: c.455C>T on transcript NM_145178.4 (MANE Select); coding-DNA position 455, C replaced by T.
Protein change: p.Thr152Ile; replaces threonine 152 with isoleucine.
Molecular consequence: missense variant.
Genome position (GRCh38, 1-based): chr10:68,231,223, G>A on the plus strand (C>T on the coding strand, the complement: ATOH7 is on the minus strand). VCF-style: chr10-68231223-G-A. GRCh37 (hg19) VCF-style: chr10-69990980-G-A.
Other names: c.455C>T (NM_145178.2); short protein forms T152I.
Identifiers: ClinVar variation 1460888 (VCV001460888.9), dbSNP rs555446400, ClinGen allele CA5523310.
Genomic context (GRCh38, chr10:68,231,223, plus strand): 5'-GCAGGGCCGAGGCTCGGAGCGGCTGCCGGACACCCACCCCCGCGGAGGCGCGCGCCCTAG[G>A]TGGCCATCTGGAAGGGCTCGGGCTGGAAGCCGAAGAGTCTCTGGCTGTACAGCTCGCTCT-3'
Protein context (NP_660161.1, residues 142-152): GFQPEPFQMA[Thr152Ile]

ClinVar aggregate classification (germline): Uncertain significance. Review status: criteria provided, multiple submitters, no conflicts (2 of 4 stars). 2 submissions from 2 submitters: Uncertain significance (2). Last evaluated 2024-05-20.

Allele frequency attached by ClinVar (database versions not stated): gnomAD 0.00001 and 0.00003; TOPMed 0.00004; 1000 Genomes Project 0.00020; 1000 Genomes Project 30x 0.00031.

Submissions (2):

Ambry Genetics
Classification: Uncertain significance. Last evaluated: 2024-05-20. Review status: criteria provided, single submitter. Criteria: Ambry Variant Classification Scheme 2023. Collection method: clinical testing. Allele origin: germline.

Labcorp Genetics (formerly Invitae), Labcorp
Classification: Uncertain significance. Last evaluated: 2024-02-24. Review status: criteria provided, single submitter. Criteria: Invitae Variant Classification Sherloc (09022015). Collection method: clinical testing. Allele origin: germline.
Comment: This sequence change replaces threonine, which is neutral and polar, with isoleucine, which is neutral and non-polar, at codon 152 of the ATOH7 protein (p.Thr152Ile). This variant is present in population databases (rs555446400, gnomAD 0.09%). This variant has not been reported in the literature in individuals affected with ATOH7-related conditions. ClinVar contains an entry for this variant (Variation ID: 1460888). An algorithm developed to predict the effect of missense changes on protein structure and function (PolyPhen-2) suggests that this variant is likely to be tolerated. In summary, the available evidence is currently insufficient to determine the role of this variant in disease. Therefore, it has been classified as a Variant of Uncertain Significance.